The following is an entry in ClinVar:

ClinVar aggregate classification (germline): Uncertain significance (1 of 4 stars; one submission).

Allele frequency attached by ClinVar (database versions not stated): TOPMed below 0.00001; gnomAD 0.00001.
gnomAD v4.1: 2 of 1,610,346 alleles (0.00012%); highest among the groups gnomAD compares: African/African-American, 0.0027%; no homozygotes.

Submission:

Labcorp Genetics (formerly Invitae), Labcorp
Classification: Uncertain significance. Last evaluated: 2022-05-18. Review status: criteria provided, single submitter. Criteria: Invitae Variant Classification Sherloc (09022015). Collection method: clinical testing. Allele origin: germline.
Comment: This sequence change replaces serine, which is neutral and polar, with leucine, which is neutral and non-polar, at codon 273 of the SCLT1 protein (p.Ser273Leu). This variant is present in population databases (no rsID available, gnomAD 0.01%). This variant has not been reported in the literature in individuals affected with SCLT1-related conditions. Algorithms developed to predict the effect of missense changes on protein structure and function are either unavailable or do not agree on the potential impact of this missense change (SIFT: "Deleterious"; PolyPhen-2: "Probably Damaging"; Align-GVGD: "Class C15"). Algorithms developed to predict the effect of sequence changes on RNA splicing suggest that this variant may disrupt the consensus splice site. In summary, the available evidence is currently insufficient to determine the role of this variant in disease. Therefore, it has been classified as a Variant of Uncertain Significance.

NM_144643.4(SCLT1):c.818C>T (p.Ser273Leu)

Gene: SCLT1 (sodium channel and clathrin linker 1; minus strand). Cytogenetic location: 4q28.2.
Variant type: single nucleotide variant.
Coding change: c.818C>T on transcript NM_144643.4 (MANE Select); coding-DNA position 818, C replaced by T.
Protein change: p.Ser273Leu; replaces serine 273 with leucine.
Molecular consequence: missense variant.
Genome position (GRCh38, 1-based): chr4:128,965,278, G>A on the plus strand (C>T on the coding strand, the complement: SCLT1 is on the minus strand). VCF-style: chr4-128965278-G-A. GRCh37 (hg19) VCF-style: chr4-129886433-G-A.
Other names: c.818C>T, p.Ser273Leu (NM_001410807.1); short protein forms S273L.
Identifiers: ClinVar variation 2182705 (VCV002182705.4), dbSNP rs1267479413, ClinGen allele CA358189101.
Genomic context (GRCh38, chr4:128,965,278, plus strand): 5'-ACAATTTACCTTATTTCTAATTGTTTTATACTAGACTGTAACTGCTGTAAACGCCTATCT[G>A]ATGCTTCCTCTCTTCCATGGGCAGACACCACATCCTTCTCCTAGAAAATAAAGAAACTAG-3'
Protein context (NP_653244.2, residues 263-283): VVSAHGREEA[Ser273Leu]DRRLQQLQSS